The following is an entry in ClinVar:

ClinVar aggregate classification (germline): Likely benign (0 of 4 stars; one submission).

Conditions:
PCNT-related disorder. Also called: PCNT-related condition.

Submission:

PreventionGenetics, part of Exact Sciences
Classification: Likely benign for PCNT-related condition. Last evaluated: 2023-07-07. Review status: no assertion criteria provided. Collection method: clinical testing. Allele origin: germline.
Comment: This variant is classified as likely benign based on ACMG/AMP sequence variant interpretation guidelines (Richards et al. 2015 PMID: 25741868, with internal and published modifications).

NM_006031.6(PCNT):c.4794T>C (p.Asp1598=)

Gene: PCNT (pericentrin; plus strand). Cytogenetic location: 21q22.3.
Variant type: single nucleotide variant.
Coding change: c.4794T>C on transcript NM_006031.6 (MANE Select); coding-DNA position 4794, T replaced by C.
Protein change: p.Asp1598=; no amino-acid change (aspartic acid 1598 retained).
Molecular consequence: synonymous variant.
Genome position (GRCh38, 1-based): chr21:46,401,553, T>C. VCF-style: chr21-46401553-T-C. GRCh37 (hg19) VCF-style: chr21-47821467-T-C.
Other names: c.4440T>C, p.Asp1480= (NM_001315529.2).
Identifiers: ClinVar variation 3356736 (VCV003356736.1).